The following is an entry in ClinVar:

NM_004380.3(CREBBP):c.6402C>T (p.His2134=)

Gene: CREBBP (CREB binding lysine acetyltransferase; minus strand). Cytogenetic location: 16p13.3.
Variant type: single nucleotide variant.
Coding change: c.6402C>T on transcript NM_004380.3 (MANE Select); coding-DNA position 6402, C replaced by T.
Protein change: p.His2134=; no amino-acid change (histidine 2134 retained).
Molecular consequence: synonymous variant.
Genome position (GRCh38, 1-based): chr16:3,728,645, G>A on the plus strand (C>T on the coding strand, the complement: CREBBP is on the minus strand). VCF-style: chr16-3728645-G-A. GRCh37 (hg19) VCF-style: chr16-3778646-G-A.
Other names: c.6288C>T, p.His2096= (NM_001079846.1).
Identifiers: ClinVar variation 589272 (VCV000589272.6), dbSNP rs931899083, ClinGen allele CA276971599.

ClinVar aggregate classification (germline): Likely benign. Review status: criteria provided, multiple submitters, no conflicts (2 of 4 stars). 2 submissions from 2 submitters: Likely benign (2). Last evaluated 2026-06-15.

Conditions:
CREBBP-related disorder. Also called: CREBBP-related disorders; CREBBP-related condition.
Inborn genetic diseases. Identifiers: MedGen C0950123, MeSH D030342.

Allele frequency attached by ClinVar (database versions not stated): gnomAD exomes below 0.00001; TOPMed 0.00001.
gnomAD v4.1: 4 of 1,613,750 alleles (0.00025%); highest among the groups gnomAD compares: African/African-American, 0.0013%; no homozygotes.

Submissions (2):

PreventionGenetics, part of Exact Sciences
Classification: Likely benign for CREBBP-related condition. Last evaluated: 2026-06-15. Review status: criteria provided, single submitter. Criteria: ACMG Guidelines, 2015. Collection method: clinical testing. Allele origin: germline.
Comment: This variant is classified as likely benign based on ACMG/AMP sequence variant interpretation guidelines (Richards et al. 2015 PMID: 25741868, with internal and published modifications).

Ambry Genetics
Classification: Likely benign for Inborn genetic diseases. Last evaluated: 2016-05-05. Review status: criteria provided, single submitter. Criteria: Ambry Variant Classification Scheme 2023. Collection method: clinical testing. Allele origin: germline.